The following is an entry in ClinVar:

NM_019066.5(MAGEL2):c.3623A>G (p.Asp1208Gly)

Gene: MAGEL2 (MAGE family member L2; minus strand). Cytogenetic location: 15q11.2.
Variant type: single nucleotide variant.
Coding change: c.3623A>G on transcript NM_019066.5 (MANE Select); coding-DNA position 3623, A replaced by G.
Protein change: p.Asp1208Gly; replaces aspartic acid 1208 with glycine.
Molecular consequence: missense variant.
Genome position (GRCh38, 1-based): chr15:23,644,120, T>C on the plus strand (A>G on the coding strand, the complement: MAGEL2 is on the minus strand). VCF-style: chr15-23644120-T-C. GRCh37 (hg19) VCF-style: chr15-23889267-T-C.
Other names: short protein forms D1208G.
Identifiers: ClinVar variation 1312747 (VCV001312747.2), dbSNP rs2140711804, ClinGen allele CA391321577.

ClinVar aggregate classification (germline): Uncertain significance (1 of 4 stars; one submission).

Submission:

GeneDx
Classification: Uncertain significance. Last evaluated: 2020-06-30. Review status: criteria provided, single submitter. Criteria: GeneDx Variant Classification Process June 2021. Collection method: clinical testing. Allele origin: germline. Affected: yes.
Comment: Not observed in large population cohorts (Lek et al., 2016); In silico analysis supports that this missense variant has a deleterious effect on protein structure/function; Has not been previously published as pathogenic or benign to our knowledge